The following is an entry in ClinVar:

NM_006214.4(PHYH):c.101T>A (p.Ile34Asn)

Gene: PHYH (phytanoyl-CoA 2-hydroxylase; minus strand). Cytogenetic location: 10p13.
Variant type: single nucleotide variant.
Coding change: c.101T>A on transcript NM_006214.4 (MANE Select); coding-DNA position 101, T replaced by A.
Protein change: p.Ile34Asn; replaces isoleucine 34 with asparagine.
Molecular consequence: missense variant. On other transcripts: 5 prime UTR variant (1), intron variant (2).
Genome position (GRCh38, 1-based): chr10:13,298,220, A>T on the plus strand (T>A on the coding strand, the complement: PHYH is on the minus strand). VCF-style: chr10-13298220-A-T. GRCh37 (hg19) VCF-style: chr10-13340220-A-T.
Other names: c.-200T>A (NM_001323080.2); c.101T>A, p.Ile34Asn (NM_001323082.2, NM_001323083.2); c.-167+1200T>A (NM_001037537.2, NM_001323084.2); short protein forms I34N.
Identifiers: ClinVar variation 1385735 (VCV001385735.6), dbSNP rs1193207427, ClinGen allele CA376038157.

ClinVar aggregate classification (germline): Uncertain significance (1 of 4 stars; one submission).

Submission:

Labcorp Genetics (formerly Invitae), Labcorp
Classification: Uncertain significance. Last evaluated: 2025-04-21. Review status: criteria provided, single submitter. Criteria: Invitae Variant Classification Sherloc (09022015). Collection method: clinical testing. Allele origin: germline.
Comment: This sequence change replaces isoleucine, which is neutral and non-polar, with asparagine, which is neutral and polar, at codon 34 of the PHYH protein (p.Ile34Asn). This variant is not present in population databases (gnomAD no frequency). This variant has not been reported in the literature in individuals affected with PHYH-related conditions. ClinVar contains an entry for this variant (Variation ID: 1385735). An algorithm developed to predict the effect of missense changes on protein structure and function (PolyPhen-2) suggests that this variant is likely to be tolerated. In summary, the available evidence is currently insufficient to determine the role of this variant in disease. Therefore, it has been classified as a Variant of Uncertain Significance.